The following is an entry in ClinVar:

NM_001379500.1(COL18A1):c.1209G>T (p.Arg403Ser)

Gene: COL18A1 (collagen type XVIII alpha 1 chain; plus strand). Cytogenetic location: 21q22.3.
Variant type: single nucleotide variant.
Coding change: c.1209G>T on transcript NM_001379500.1 (MANE Select); coding-DNA position 1209, G replaced by T.
Protein change: p.Arg403Ser; replaces arginine 403 with serine.
Molecular consequence: missense variant.
Genome position (GRCh38, 1-based): chr21:45,477,953, G>T. VCF-style: chr21-45477953-G-T. GRCh37 (hg19) VCF-style: chr21-46897867-G-T.
Other names: c.1749G>T, p.Arg583Ser (NM_030582.4); c.2454G>T, p.Arg818Ser (NM_130444.3); short protein forms R403S, R818S, R583S.
Identifiers: ClinVar variation 4726937 (VCV004726937.1).

ClinVar aggregate classification (germline): Uncertain significance (1 of 4 stars; one submission).

Submission:

Labcorp Genetics (formerly Invitae), Labcorp
Classification: Uncertain significance. Last evaluated: 2025-09-10. Review status: criteria provided, single submitter. Criteria: Invitae Variant Classification Sherloc (09022015). Collection method: clinical testing. Allele origin: germline.
Comment: This sequence change replaces arginine, which is basic and polar, with serine, which is neutral and polar, at codon 403 of the COL18A1 protein (p.Arg403Ser). This variant is not present in population databases (gnomAD no frequency). This variant has not been reported in the literature in individuals affected with COL18A1-related conditions. Experimental studies and prediction algorithms are not available or were not evaluated, and the functional significance of this variant is currently unknown. In summary, the available evidence is currently insufficient to determine the role of this variant in disease. Therefore, it has been classified as a Variant of Uncertain Significance.